The following is an entry in ClinVar:

NM_006231.4(POLE):c.3378+7G>T

Gene: POLE (DNA polymerase epsilon, catalytic subunit; minus strand). Cytogenetic location: 12q24.33.
Variant type: single nucleotide variant.
Coding change: c.3378+7G>T on transcript NM_006231.4 (MANE Select); 7 bases into the intron after coding-DNA position 3378, G replaced by T.
Molecular consequence: intron variant.
Genome position (GRCh38, 1-based): chr12:132,657,861, C>A on the plus strand (G>T on the coding strand, the complement: POLE is on the minus strand). VCF-style: chr12-132657861-C-A. GRCh37 (hg19) VCF-style: chr12-133234447-C-A.
Identifiers: ClinVar variation 240465 (VCV000240465.26), dbSNP rs755370377, ClinGen allele CA6893267.

ClinVar aggregate classification (germline): Benign/Likely benign. Review status: criteria provided, multiple submitters, no conflicts (2 of 4 stars). 12 submissions from 12 submitters: Benign (4); Likely benign (5). 3 of the submissions do not count toward it. Last evaluated 2026-05-01.

Conditions:
Familial ovarian cancer. Identifiers: MedGen C5679802, MONDO:0016248.
POLE-related disorder. Also called: POLE-related condition; POLE-related disorders.
Hereditary cancer-predisposing syndrome. Also called: Tumor predisposition; Hereditary Cancer Syndrome; Neoplastic Syndromes, Hereditary; Hereditary neoplastic syndrome. Identifiers: Orphanet 140162, MedGen C0027672, MeSH D009386, MONDO:0015356.
Colorectal cancer, susceptibility to, 12 (CRCS12). Also called: COLORECTAL CANCER, SUSCEPTIBILITY TO, ON CHROMOSOME 12q24. Identifiers: Orphanet 220460, MedGen C3554460, MONDO:0014038, OMIM 615083.

Allele frequency attached by ClinVar (database versions not stated): gnomAD exomes 0.00005 and 0.00011; TOPMed 0.00006; gnomAD 0.00007 and 0.00008; ExAC 0.00011.

Submissions (12):

CeGaT Center for Human Genetics Tuebingen
Classification: Likely benign. Last evaluated: 2026-05-01. Review status: criteria provided, single submitter. Criteria: CeGaT Center For Human Genetics Tuebingen Variant Classification Criteria Version 2. Collection method: clinical testing. Allele origin: germline. Affected: yes. Observed: 1 variant allele.
Comment: POLE: BP4, BS1:Supporting

Labcorp Genetics (formerly Invitae), Labcorp
Classification: Benign. Last evaluated: 2026-02-02. Review status: criteria provided, single submitter. Criteria: Invitae Variant Classification Sherloc (09022015). Collection method: clinical testing. Allele origin: germline.

ARUP Laboratories, Molecular Genetics and Genomics, ARUP Laboratories
Classification: Likely benign. Last evaluated: 2025-07-03. Review status: criteria provided, single submitter. Criteria: ARUP Molecular Germline Variant Investigation Process 2024. Collection method: clinical testing. Allele origin: germline.

Center for Genomic Medicine, Rigshospitalet, Copenhagen University Hospital
Classification: Likely benign. Last evaluated: 2025-03-04. Review status: criteria provided, single submitter. Criteria: ACMG Guidelines, 2015. Collection method: clinical testing. Allele origin: germline.

Blueprint Genetics
Classification: Likely benign. Last evaluated: 2024-04-25. Review status: criteria provided, single submitter. Criteria: ACMG Guidelines, 2015. Collection method: clinical testing. Allele origin: germline.

KCCC/NGS Laboratory, Kuwait Cancer Control Center
Classification: Benign for Colorectal cancer, susceptibility to, 12. Last evaluated: 2023-07-07. Review status: criteria provided, single submitter. Criteria: ACMG Guidelines, 2015. Collection method: clinical testing. Allele origin: germline. Affected: yes.

Sema4
Classification: Benign for Hereditary cancer-predisposing syndrome. Last evaluated: 2021-01-07. Review status: criteria provided, single submitter. Criteria: Sema4 Curation Guidelines. Collection method: curation. Allele origin: germline.

Quest Diagnostics Nichols Institute San Juan Capistrano
Classification: Benign. Last evaluated: 2018-04-26. Review status: criteria provided, single submitter. Criteria: Quest Diagnostics criteria. Collection method: clinical testing. Allele origin: germline.

GeneDx
Classification: Likely benign. Last evaluated: 2017-10-25. Review status: criteria provided, single submitter. Criteria: GeneDx Variant Classification (06012015). Collection method: clinical testing. Allele origin: germline. Affected: yes.
Comment: This variant is considered likely benign or benign based on one or more of the following criteria: it is a conservative change, it occurs at a poorly conserved position in the protein, it is predicted to be benign by multiple in silico algorithms, and/or has population frequency not consistent with disease.

PreventionGenetics, part of Exact Sciences
Classification: Likely benign for POLE-related condition. Last evaluated: 2020-01-13. Review status: no assertion criteria provided. Collection method: clinical testing. Allele origin: germline. Not counted in ClinVar's aggregate classification.
Comment: This variant is classified as likely benign based on ACMG/AMP sequence variant interpretation guidelines (Richards et al. 2015 PMID: 25741868, with internal and published modifications).

Counsyl
Classification: Likely benign for Colorectal cancer, susceptibility to, 12. Last evaluated: 2016-11-10. Review status: no assertion criteria provided. Collection method: clinical testing. Allele origin: unknown. Not counted in ClinVar's aggregate classification.

Department of Pathology and Laboratory Medicine, Sinai Health System
Classification: Likely benign for Familial ovarian cancer. Review status: no assertion criteria provided. Collection method: clinical testing. Allele origin: unknown. Affected: yes. Study: The Canadian Open Genetics Repository (COGR). Not counted in ClinVar's aggregate classification.
Comment: The POLE c.3378+7G>T variant was not identified in the literature. The variant was identified in dbSNP (rs755370377) as â€šÃ„Ãºwith other alleleâ€šÃ„Ã¹ and ClinVar (interpreted as "benign" by Invitae and Quest Diagnostics and "likely benign" by GeneDx and Counsyl). The variant was identified in control databases in 30 of 277,184 chromosomes at a frequency of 0.0001 increasing the likelihood this could be a low frequency benign variant (Genome Aggregation Database Feb 27, 2017). The variant was observed in the following populations: European in 4 of 126,694 chromosomes (freq: 0.00003), Ashkenazi Jewish in 25 of 10,150 chromosomes (freq: 0.002), and South Asian in 1 of 30,778 chromosomes (freq: 0.00003). The variant was not observed in the African, Other, Latino, East Asian and Finnish populations. The variant occurs at a non-conserved nucleotide outside of the consensus splicing sequence and in silico or computational prediction software programs (SpliceSiteFinder, MaxEntScan, NNSPLICE, GeneSplicer) did not predict a difference in splicing. In summary, based on the above information the clinical significance of this variant cannot be determined with certainty at this time although we would lean towards a more benign role for this variant. This variant is classified as likely benign.